The following is an entry in ClinVar:

NM_000069.3(CACNA1S):c.5296A>C (p.Thr1766Pro)

Gene: CACNA1S (calcium voltage-gated channel subunit alpha1 S; minus strand). Cytogenetic location: 1q32.1.
Variant type: single nucleotide variant.
Coding change: c.5296A>C on transcript NM_000069.3 (MANE Select); coding-DNA position 5296, A replaced by C.
Protein change: p.Thr1766Pro; replaces threonine 1766 with proline.
Molecular consequence: missense variant.
Genome position (GRCh38, 1-based): chr1:201,040,305, T>G on the plus strand (A>C on the coding strand, the complement: CACNA1S is on the minus strand). VCF-style: chr1-201040305-T-G. GRCh37 (hg19) VCF-style: chr1-201009433-T-G.
Other names: short protein forms T1766P.
Identifiers: ClinVar variation 3251063 (VCV003251063.18), dbSNP rs2464390444.

ClinVar aggregate classification (germline): Uncertain significance (1 of 4 stars; one submission).

Submission:

CeGaT Center for Human Genetics Tuebingen
Classification: Uncertain significance. Last evaluated: 2024-06-01. Review status: criteria provided, single submitter. Criteria: CeGaT Center For Human Genetics Tuebingen Variant Classification Criteria Version 2. Collection method: clinical testing. Allele origin: germline. Affected: yes. Observed: 1 variant allele.
Comment: CACNA1S: PM2